The following is an entry in ClinVar:

ClinVar aggregate classification (germline): Uncertain significance (1 of 4 stars; one submission).

Conditions:
Marfan syndrome (MFS). Also called: MARFAN SYNDROME, TYPE I; Marfan syndrome type 1; Marfan's syndrome; Marfan syndrome, classic; FBN1-Related Marfan Syndrome. Identifiers: Orphanet 284963, Orphanet 558, MedGen C0024796, MONDO:0007947, OMIM 154700.

Submission:

Human Genetics Bochum, Ruhr University Bochum
Classification: Uncertain significance for Marfan syndrome. Last evaluated: 2024-04-19. Review status: criteria provided, single submitter. Criteria: ACMG Guidelines, 2015. Collection method: clinical testing. Allele origin: germline. Affected: yes.
Comment: ACMG criteria used to clasify this variant: PM1, PM2_SUP, PP2; BP4

NM_000138.5(FBN1):c.421A>G (p.Ile141Val)

Gene: FBN1 (fibrillin 1; minus strand). Cytogenetic location: 15q21.1.
Variant type: single nucleotide variant.
Coding change: c.421A>G on transcript NM_000138.5 (MANE Select); coding-DNA position 421, A replaced by G.
Protein change: p.Ile141Val; replaces isoleucine 141 with valine.
Molecular consequence: missense variant.
Genome position (GRCh38, 1-based): chr15:48,600,160, T>C on the plus strand (A>G on the coding strand, the complement: FBN1 is on the minus strand). VCF-style: chr15-48600160-T-C. GRCh37 (hg19) VCF-style: chr15-48892357-T-C.
Other names: c.421A>G, p.Ile141Val (NM_001406716.1, NM_001406717.1); short protein forms I141V.
Identifiers: ClinVar variation 4687990 (VCV004687990.1).